The following is an entry in ClinVar:

NM_000246.4(CIITA):c.3170G>A (p.Cys1057Tyr)

Gene: CIITA (class II major histocompatibility complex transactivator; plus strand). Cytogenetic location: 16p13.13.
Variant type: single nucleotide variant.
Coding change: c.3170G>A on transcript NM_000246.4 (MANE Select); coding-DNA position 3170, G replaced by A.
Protein change: p.Cys1057Tyr; replaces cysteine 1057 with tyrosine.
Molecular consequence: missense variant. On other transcripts: non-coding transcript variant (1).
Genome position (GRCh38, 1-based): chr16:10,922,187, G>A. VCF-style: chr16-10922187-G-A. GRCh37 (hg19) VCF-style: chr16-11016044-G-A.
Other names: c.3173G>A, p.Cys1058Tyr (NM_001286402.1, NM_001379332.1); c.1418G>A, p.Cys473Tyr (NM_001286403.2); c.3026G>A, p.Cys1009Tyr (NM_001379330.1); c.3023G>A, p.Cys1008Tyr (NM_001379331.1); c.3170G>A, p.Cys1057Tyr (NM_001379333.1); c.3101G>A, p.Cys1034Tyr (NM_001379334.1); short protein forms C1009Y, C1008Y, C1034Y, C1058Y, C1057Y, C473Y.
Identifiers: ClinVar variation 2158435 (VCV002158435.1), dbSNP rs753947944, ClinGen allele CA7900712.

ClinVar aggregate classification (germline): Uncertain significance (1 of 4 stars; one submission).

Conditions:
MHC class II deficiency. Also called: Bare lymphocyte syndrome 2; BLS, TYPE II. Identifiers: Orphanet 572, MedGen C5447452, MONDO:0008855.

Allele frequency attached by ClinVar (database versions not stated): TOPMed below 0.00001; ExAC 0.00002.
gnomAD v4.1: 6 of 1,614,228 alleles (0.00037%); highest among the groups gnomAD compares: East Asian, 0.0067%; no homozygotes.

Submission:

Labcorp Genetics (formerly Invitae), Labcorp
Classification: Uncertain significance for MHC class II deficiency. Last evaluated: 2021-08-27. Review status: criteria provided, single submitter. Criteria: Invitae Variant Classification Sherloc (09022015). Collection method: clinical testing. Allele origin: germline.
Comment: This sequence change replaces cysteine with tyrosine at codon 1057 of the CIITA protein (p.Cys1057Tyr). The cysteine residue is moderately conserved and there is a large physicochemical difference between cysteine and tyrosine. This variant is present in population databases (rs753947944, ExAC 0.02%). This variant has not been reported in the literature in individuals affected with CIITA-related conditions. Algorithms developed to predict the effect of missense changes on protein structure and function are either unavailable or do not agree on the potential impact of this missense change (SIFT: "Tolerated"; PolyPhen-2: "Possibly Damaging"; Align-GVGD: "Class C0"). In summary, the available evidence is currently insufficient to determine the role of this variant in disease. Therefore, it has been classified as a Variant of Uncertain Significance.